The following is an entry in ClinVar:

ClinVar aggregate classification (germline): Uncertain significance (0 of 4 stars; one submission).

Conditions:
Prostate cancer. Also called: Malignant tumor of prostate. Identifiers: Orphanet 1331, MedGen C0376358, MONDO:0008315, HP:0012125.

Allele frequency attached by ClinVar (database versions not stated): gnomAD 0.00001; ExAC 0.00002; gnomAD exomes 0.00001 and 0.00002; TOPMed 0.00001; 1000 Genomes Project 30x 0.00031; 1000 Genomes Project 0.00020.
gnomAD v4.1: 32 of 1,613,970 alleles (0.002%); highest among the groups gnomAD compares: South Asian, 0.0033%; no homozygotes.

Submission:

Science for Life laboratory,  Karolinska Institutet
Classification: Uncertain significance for Malignant tumor of prostate. Review status: no assertion criteria provided. Collection method: not provided. Allele origin: somatic.
Comment: TumorID:SWE-17
ClinVar note: Converted during submission from Unknown to Uncertain significance.

NM_182932.3(SLC8A3):c.1690G>A (p.Val564Ile)

Gene: SLC8A3 (solute carrier family 8 member A3; minus strand). Cytogenetic location: 14q24.2.
Variant type: single nucleotide variant.
Coding change: c.1690G>A on transcript NM_182932.3 (MANE Select); coding-DNA position 1690, G replaced by A.
Protein change: p.Val564Ile; replaces valine 564 with isoleucine.
Molecular consequence: missense variant. On other transcripts: non-coding transcript variant (1).
Genome position (GRCh38, 1-based): chr14:70,166,733, C>T on the plus strand (G>A on the coding strand, the complement: SLC8A3 is on the minus strand). VCF-style: chr14-70166733-C-T. GRCh37 (hg19) VCF-style: chr14-70633450-C-T.
Other names: c.1690G>A, p.Val564Ile (NM_033262.5, NM_058240.4, NM_183002.3); short protein forms V564I.
Identifiers: ClinVar variation 161796 (VCV000161796.2), dbSNP rs76086886, ClinGen allele CA174800.